The following is an entry in ClinVar:

ClinVar aggregate classification (germline): Uncertain significance (1 of 4 stars; one submission).

Conditions:
Subcutaneous panniculitis-like T-cell lymphoma (SPTCL). Identifiers: Orphanet 86884, MedGen C0522624, MONDO:0019475, OMIM 618398, HP:0034403.

gnomAD v4.1: 6 of 1,586,412 alleles (0.00038%); highest among the groups gnomAD compares: Non-Finnish European, 0.00026%; no homozygotes.

Submission:

Laboratorio de Genetica e Diagnostico Molecular, Hospital Israelita Albert Einstein
Classification: Uncertain significance for Subcutaneous panniculitis-like T-cell lymphoma. Last evaluated: 2023-12-29. Review status: criteria provided, single submitter. Criteria: ACMG Guidelines, 2015. Collection method: clinical testing. Allele origin: germline. Affected: yes.
Comment: ACMG classification criteria: PM2 moderate

NM_032782.5(HAVCR2):c.395-2A>T

Gene: HAVCR2 (hepatitis A virus cellular receptor 2; minus strand). Cytogenetic location: 5q33.3.
Variant type: single nucleotide variant.
Coding change: c.395-2A>T on transcript NM_032782.5 (MANE Select); the canonical splice acceptor site of the intron before coding-DNA position 395, A replaced by T.
Molecular consequence: splice acceptor variant.
Genome position (GRCh38, 1-based): chr5:157,104,751, T>A on the plus strand (A>T on the coding strand, the complement: HAVCR2 is on the minus strand). VCF-style: chr5-157104751-T-A. GRCh37 (hg19) VCF-style: chr5-156531762-T-A.
Identifiers: ClinVar variation 4056793 (VCV004056793.1).